The following is an entry in ClinVar:

NM_001184.4(ATR):c.7702C>G (p.Pro2568Ala)

Gene: ATR (ATR checkpoint kinase; minus strand). Cytogenetic location: 3q23.
Variant type: single nucleotide variant.
Coding change: c.7702C>G on transcript NM_001184.4 (MANE Select); coding-DNA position 7702, C replaced by G.
Protein change: p.Pro2568Ala; replaces proline 2568 with alanine.
Molecular consequence: missense variant.
Genome position (GRCh38, 1-based): chr3:142,453,187, G>C on the plus strand (C>G on the coding strand, the complement: ATR is on the minus strand). VCF-style: chr3-142453187-G-C. GRCh37 (hg19) VCF-style: chr3-142172029-G-C.
Other names: c.7510C>G, p.Pro2504Ala (NM_001354579.2); short protein forms P2504A, P2568A.
Identifiers: ClinVar variation 3706875 (VCV003706875.2).

ClinVar aggregate classification (germline): Uncertain significance (1 of 4 stars; one submission).

Submission:

Labcorp Genetics (formerly Invitae), Labcorp
Classification: Uncertain significance. Last evaluated: 2024-10-15. Review status: criteria provided, single submitter. Criteria: Invitae Variant Classification Sherloc (09022015). Collection method: clinical testing. Allele origin: germline.
Comment: This sequence change replaces proline, which is neutral and non-polar, with alanine, which is neutral and non-polar, at codon 2568 of the ATR protein (p.Pro2568Ala). This variant is not present in population databases (gnomAD no frequency). This variant has not been reported in the literature in individuals affected with ATR-related conditions. An algorithm developed to predict the effect of missense changes on protein structure and function (PolyPhen-2) suggests that this variant is likely to be tolerated. In summary, the available evidence is currently insufficient to determine the role of this variant in disease. Therefore, it has been classified as a Variant of Uncertain Significance.